The following is an entry in ClinVar:

ClinVar aggregate classification (germline): Uncertain significance (1 of 4 stars; one submission).

Conditions:
Glycogen storage disease XV (GSD15). Also called: GLYCOGENIN DEFICIENCY; GSD XV. Identifiers: Orphanet 263297, MedGen C3150754, MONDO:0013291, OMIM 613507.
Polyglucosan body myopathy type 2. Identifiers: Orphanet 456369, MedGen C4015452, MONDO:0014526, OMIM 616199.

Allele frequency attached by ClinVar (database versions not stated): gnomAD 0.00001; gnomAD exomes below 0.00001; TOPMed below 0.00001.
gnomAD v4.1: 6 of 1,613,822 alleles (0.00037%); highest among the groups gnomAD compares: Non-Finnish European, 0.00042%; no homozygotes.

Submission:

Labcorp Genetics (formerly Invitae), Labcorp
Classification: Uncertain significance for Polyglucosan body myopathy type 2; Glycogen storage disease XV. Last evaluated: 2022-03-18. Review status: criteria provided, single submitter. Criteria: Invitae Variant Classification Sherloc (09022015). Collection method: clinical testing. Allele origin: germline.
Comment: This sequence change replaces valine, which is neutral and non-polar, with isoleucine, which is neutral and non-polar, at codon 21 of the GYG1 protein (p.Val21Ile). This variant is present in population databases (no rsID available, gnomAD 0.0009%). This variant has not been reported in the literature in individuals affected with GYG1-related conditions. Algorithms developed to predict the effect of missense changes on protein structure and function (SIFT, PolyPhen-2, Align-GVGD) all suggest that this variant is likely to be tolerated. In summary, the available evidence is currently insufficient to determine the role of this variant in disease. Therefore, it has been classified as a Variant of Uncertain Significance.

NM_004130.4(GYG1):c.61G>A (p.Val21Ile)

Gene: GYG1 (glycogenin 1; plus strand). Cytogenetic location: 3q24.
Variant type: single nucleotide variant.
Coding change: c.61G>A on transcript NM_004130.4 (MANE Select); coding-DNA position 61, G replaced by A.
Protein change: p.Val21Ile; replaces valine 21 with isoleucine.
Molecular consequence: missense variant.
Genome position (GRCh38, 1-based): chr3:148,994,195, G>A. VCF-style: chr3-148994195-G-A. GRCh37 (hg19) VCF-style: chr3-148711982-G-A.
Other names: c.61G>A, p.Val21Ile (NM_001184720.2, NM_001184721.2); short protein forms V21I.
Identifiers: ClinVar variation 1428426 (VCV001428426.3), dbSNP rs1372925900, ClinGen allele CA354909880.